The following is an entry in ClinVar:

ClinVar aggregate classification (germline): Uncertain significance. Review status: criteria provided, single submitter (1 of 4 stars). 2 submissions from 2 submitters: Uncertain significance (1). 1 of the submissions does not count toward it. Last evaluated 2022-09-12.

Conditions:
Peroxisome biogenesis disorder, complementation group 7 (CG7). Also called: Peroxisome biogenesis disorder, complementation group B. Identifiers: MedGen C1864399.
Zellweger spectrum disorders (ZS). Also called: Zellweger Spectrum Disorder (ZSD); Zellweger syndrome; Zellweger Spectrum Disorder; Zellweger Spectrum. Identifiers: Orphanet 912, MedGen C0043459, MONDO:0019609.

Allele frequency attached by ClinVar (database versions not stated): TOPMed below 0.00001.

Submissions (2):

Labcorp Genetics (formerly Invitae), Labcorp
Classification: Uncertain significance for Peroxisome biogenesis disorder, complementation group 7. Last evaluated: 2022-09-12. Review status: criteria provided, single submitter. Criteria: Invitae Variant Classification Sherloc (09022015). Collection method: clinical testing. Allele origin: germline.
Comment: This sequence change replaces glutamic acid, which is acidic and polar, with lysine, which is basic and polar, at codon 268 of the PEX10 protein (p.Glu268Lys). This variant is not present in population databases (gnomAD no frequency). This variant has not been reported in the literature in individuals affected with PEX10-related conditions. Algorithms developed to predict the effect of missense changes on protein structure and function (SIFT, PolyPhen-2, Align-GVGD) all suggest that this variant is likely to be tolerated. In summary, the available evidence is currently insufficient to determine the role of this variant in disease. Therefore, it has been classified as a Variant of Uncertain Significance.

Natera, Inc.
Classification: Uncertain significance for Zellweger syndrome. Last evaluated: 2025-03-25. Review status: no assertion criteria provided. Collection method: clinical testing. Allele origin: germline. Not counted in ClinVar's aggregate classification.

NM_002617.4(PEX10):c.742G>A (p.Glu248Lys)

Gene: PEX10 (peroxisomal biogenesis factor 10; minus strand). Cytogenetic location: 1p36.32.
Variant type: single nucleotide variant.
Coding change: c.742G>A on transcript NM_002617.4 (MANE Select); coding-DNA position 742, G replaced by A.
Protein change: p.Glu248Lys; replaces glutamic acid 248 with lysine.
Molecular consequence: missense variant. On other transcripts: non-coding transcript variant (1).
Genome position (GRCh38, 1-based): chr1:2,406,754, C>T on the plus strand (G>A on the coding strand, the complement: PEX10 is on the minus strand). VCF-style: chr1-2406754-C-T. GRCh37 (hg19) VCF-style: chr1-2338193-C-T.
Other names: c.799G>A, p.Glu267Lys (NM_001374425.1); c.367G>A, p.Glu123Lys (NM_001374426.1); c.310G>A, p.Glu104Lys (NM_001374427.1); c.802G>A, p.Glu268Lys (NM_153818.2); c.802G>A (NM_153818.1); short protein forms E123K, E268K, E104K, E267K, E248K.
Identifiers: ClinVar variation 1964664 (VCV001964664.3), dbSNP rs1643019299, ClinGen allele CA337985160.
Genomic context (GRCh38, chr1:2,406,754, plus strand): 5'-CCCCCATGTGTGGCCCCCGCACGCACCTGCGGTGAGACAGGCCGCGGTGCAGCCTCCACT[C>T]CTTCCTGGCTCGCTGCCGCTGCCTGAAACCGTACAGCTGCAGCCCCATGGACAGCACCAG-3'
Protein context (NP_002608.1, residues 238-258): GFRQRQRARK[Glu248Lys]WRLHRGLSHR